The following is an entry in ClinVar:

NM_002303.6(LEPR):c.2674-5991A>G

Gene: LEPR (leptin receptor; plus strand). Cytogenetic location: 1p31.3.
Variant type: single nucleotide variant.
Coding change: c.2674-5991A>G on transcript NM_002303.6 (MANE Select); 5991 bases into the intron before coding-DNA position 2674, A replaced by G.
Molecular consequence: intron variant. On other transcripts: splice acceptor variant (2).
Genome position (GRCh38, 1-based): chr1:65,630,200, A>G. VCF-style: chr1-65630200-A-G. GRCh37 (hg19) VCF-style: chr1-66095883-A-G.
Other names: c.2674-2952A>G (NM_001003679.3, NM_001198689.2); c.2674-2A>G (NM_001003680.3, NM_001198687.2).
Identifiers: ClinVar variation 3349062 (VCV003349062.1).

ClinVar aggregate classification (germline): Uncertain significance (0 of 4 stars; one submission).

Conditions:
LEPR-related disorder. Also called: LEPR-related condition; LEPR-related disorders.

Submission:

PreventionGenetics, part of Exact Sciences
Classification: Uncertain significance for LEPR-related condition. Last evaluated: 2023-12-15. Review status: no assertion criteria provided. Collection method: clinical testing. Allele origin: germline.
Comment: The LEPR c.2674-2A>G variant is predicted to disrupt the AG splice acceptor site and interfere with normal splicing. In the more commonly reported transcript, this variant is intronic (c.2674-5991A>G). To our knowledge, this variant has not been reported in the literature. This variant is reported in 0.011% of alleles in individuals of African descent in gnomAD. At this time, the clinical significance of this variant is uncertain due to the absence of conclusive functional and genetic evidence.